The following is an entry in ClinVar:

ClinVar aggregate classification (germline): Pathogenic. Review status: reviewed by expert panel (3 of 4 stars). 10 submissions from 10 submitters: Pathogenic (1). 9 of the submissions do not count toward it. Last evaluated 2016-09-08.

Conditions:
Inherited breast cancer and ovarian cancer.
Hereditary cancer-predisposing syndrome. Also called: Neoplastic Syndromes, Hereditary; Hereditary neoplastic syndrome; Hereditary Cancer Syndrome; Tumor predisposition. Identifiers: Orphanet 140162, MedGen C0027672, MeSH D009386, MONDO:0015356.
Hereditary breast ovarian cancer syndrome. Also called: Hereditary breast and ovarian cancer syndrome (HBOC); Hereditary breast and/or ovarian cancer syndrome; BRCA1- and BRCA2-Associated Hereditary Breast and Ovarian Cancer; Hereditary breast and ovarian cancer syndrome; Breast and ovarian cancer; Hereditary breast and ovarian cancer. Identifiers: Orphanet 145, MedGen C0677776, MeSH D061325, MONDO:0003582. Disease mechanism: loss of function.
Breast-ovarian cancer, familial, susceptibility to, 1 (BROVCA1). Also called: BRCA1 Hereditary Breast and Ovarian Cancer; OVARIAN CANCER, SUSCEPTIBILITY TO. Identifiers: Orphanet 145, MedGen C2676676, MONDO:0011450, OMIM 604370. Disease mechanism: loss of function.
Triple-negative breast cancer. Identifiers: MedGen C3539878.

Submissions (10):

Evidence-based Network for the Interpretation of Germline Mutant Alleles (ENIGMA)
Classification: Pathogenic for Breast-ovarian cancer, familial, susceptibility to, 1. Last evaluated: 2016-09-08. Review status: reviewed by expert panel. Criteria: ENIGMA BRCA1/2 Classification Criteria (2015). Collection method: curation. Allele origin: germline.
Comment: Variant allele predicted to encode a truncated non-functional protein.

Genetics Laboratory, Great Ormond Street Hospital NHS Foundation Trust, North Thames Genomic Laboratory Hub
Classification: Pathogenic for Inherited breast cancer and ovarian cancer. Last evaluated: 2026-09-25. Review status: criteria provided, single submitter. Criteria: CanVIG BRCA Gene Specific V1.22. Collection method: clinical testing. Allele origin: germline. Affected: yes. Not counted in ClinVar's aggregate classification.
Comment: PM2_moderate, PVS1_very-strong, PM5_strong

Women's Health and Genetics/Laboratory Corporation of America, LabCorp
Classification: Pathogenic for Hereditary breast ovarian cancer syndrome. Last evaluated: 2025-05-08. Review status: criteria provided, single submitter. Criteria: LabCorp Variant Classification Summary - May 2015. Collection method: clinical testing. Allele origin: germline. Not counted in ClinVar's aggregate classification.
Comment: Variant summary: BRCA1 c.4122_4123delTG (p.Ser1374ArgfsX6) results in a premature termination codon, predicted to cause a truncation of the encoded protein or absence of the protein due to nonsense mediated decay, which are commonly known mechanisms for disease. The variant was absent in 249128 control chromosomes. c.4122_4123delTG has been observed in at least one individual affected with Hereditary Breast And Ovarian Cancer Syndrome (e.g. Rebbeck_2018). To our knowledge, no experimental evidence demonstrating an impact on protein function has been reported. The following publication has been ascertained in the context of this evaluation (PMID: 29446198). ClinVar contains an entry for this variant (Variation ID: 55107). Based on the evidence outlined above, the variant was classified as pathogenic.

Clinical Genetics Laboratory, Skane University Hospital Lund
Classification: Pathogenic for Triple-negative breast cancer. Last evaluated: 2025-04-28. Review status: criteria provided, single submitter. Criteria: ACMG Guidelines, 2015. Collection method: clinical testing. Allele origin: germline. Affected: yes. Not counted in ClinVar's aggregate classification.
Comment: Classified according to ClinGen ENIGMA BRCA1 and BRCA2 Expert Panel Specifications to the ACMG/AMP Variant Interpretation Guidelines for BRCA1 Version 1.2.0. PVS1, PM2_supporting, PM5_strong.

Cambridge Genomics Laboratory, East Genomic Laboratory Hub, NHS Genomic Medicine Service
Classification: Pathogenic for Inherited breast cancer and ovarian cancer. Last evaluated: 2025-02-07. Review status: criteria provided, single submitter. Criteria: ACGS Best Practice Guidelines for Variant Classification in Rare Disease 2020. Collection method: clinical testing. Allele origin: germline. Affected: yes. Not counted in ClinVar's aggregate classification.
Comment: PVS1,PM2,PM5_Strong

Ambry Genetics
Classification: Pathogenic for Hereditary cancer-predisposing syndrome. Last evaluated: 2024-04-02. Review status: criteria provided, single submitter. Criteria: Ambry Variant Classification Scheme 2023. Collection method: clinical testing. Allele origin: germline. Not counted in ClinVar's aggregate classification.
Comment: The c.4122_4123delTG pathogenic mutation, located in coding exon 10 of the BRCA1 gene, results from a deletion of two nucleotides at nucleotide positions 4122 to 4123, causing a translational frameshift with a predicted alternate stop codon (p.S1374Rfs*6). This alteration, designated as 4241delTG, has been reported in individuals with breast cancer (Fackenthal JD et al. Int J Cancer, 2012 Sep;131:1114-23). This variant is considered to be rare based on population cohorts in the Genome Aggregation Database (gnomAD). In addition to the clinical data presented in the literature, this alteration is expected to result in loss of function by premature protein truncation or nonsense-mediated mRNA decay. As such, this alteration is interpreted as a disease-causing mutation.

Labcorp Genetics (formerly Invitae), Labcorp
Classification: Pathogenic for Hereditary breast ovarian cancer syndrome. Last evaluated: 2023-12-18. Review status: criteria provided, single submitter. Criteria: Invitae Variant Classification Sherloc (09022015). Collection method: clinical testing. Allele origin: germline. Not counted in ClinVar's aggregate classification.
Comment: This sequence change creates a premature translational stop signal (p.Ser1374Argfs*6) in the BRCA1 gene. It is expected to result in an absent or disrupted protein product. Loss-of-function variants in BRCA1 are known to be pathogenic (PMID: 20104584). This variant is not present in population databases (gnomAD no frequency). This premature translational stop signal has been observed in individual(s) with personal and/or family history of breast and/or ovarian cancer (PMID: 22034289, 22739995, 29446198). This variant is also known as 4241delTG. ClinVar contains an entry for this variant (Variation ID: 55107). For these reasons, this variant has been classified as Pathogenic.

Color Diagnostics, LLC DBA Color Health
Classification: Pathogenic for Hereditary cancer-predisposing syndrome. Last evaluated: 2019-10-31. Review status: criteria provided, single submitter. Criteria: ACMG Guidelines, 2015. Collection method: clinical testing. Allele origin: germline. Not counted in ClinVar's aggregate classification.
Comment: This variant deletes 2 nucleotides in exon 11 of the BRCA1 gene, creating a frameshift and premature translation stop signal. This variant is expected to result in an absent or non-functional protein product. Splice site prediction tools suggest that this variant may not impact RNA splicing. To our knowledge, functional studies have not been performed for this variant. This variant has been reported in individuals affected with breast cancer (PMID: 22739995). This variant has not been identified in the general population by the Genome Aggregation Database (gnomAD). Loss of BRCA1 function is a known mechanism of disease. Based on the available evidence, this variant is classified as Pathogenic.

Consortium of Investigators of Modifiers of BRCA1/2 (CIMBA), c/o University of Cambridge
Classification: Pathogenic for Breast-ovarian cancer, familial, susceptibility to, 1. Last evaluated: 2015-10-02. Review status: criteria provided, single submitter. Criteria: CIMBA Mutation Classification guidelines May 2016. Collection method: clinical testing. Allele origin: germline. Not counted in ClinVar's aggregate classification.

Breast Cancer Information Core (BIC) (BRCA1)
Classification: Pathogenic for Breast-ovarian cancer, familial 1. Last evaluated: 2004-02-20. Review status: no assertion criteria provided. Collection method: clinical testing. Allele origin: germline. Affected: yes. Observed: 1 variant allele. Not counted in ClinVar's aggregate classification.

Literature cited by the submitters: PubMed 29446198 (cited by Women's Health and Genetics/Laboratory Corporation of America, LabCorp and Labcorp Genetics (formerly Invitae), Labcorp); PubMed 22034289 (cited by Ambry Genetics and Labcorp Genetics (formerly Invitae), Labcorp); PubMed 20104584 (cited by Labcorp Genetics (formerly Invitae), Labcorp); PubMed 22739995 (cited by Labcorp Genetics (formerly Invitae), Labcorp).

NM_007294.4(BRCA1):c.4122_4123del (p.Ser1374fs)

Gene: BRCA1 (BRCA1 DNA repair associated; minus strand). Cytogenetic location: 17q21.31.
Variant type: Deletion.
Coding change: c.4122_4123del on transcript NM_007294.4 (MANE Select); coding-DNA positions 4122 to 4123, 2 bases deleted (TG; older notation c.4122_4123delTG).
Protein change: p.Ser1374fs; shifts the reading frame from serine 1374.
Molecular consequence: frameshift variant. On other transcripts: non-coding transcript variant (1).
Genome position (GRCh38, 1-based): chr17:43,091,006-43,091,007, CA deleted on the plus strand (TG on the coding strand, the reverse complement: BRCA1 is on the minus strand); deleting any 2 consecutive bases within chr17:43,091,006-43,091,008 gives the same sequence; the c. name uses the placement nearest the transcript's 3' end. VCF-style (leftmost placement, unchanged base first): chr17-43091005-TCA-T. GRCh37 (hg19) VCF-style: chr17-41243022-TCA-T.
Other names: 4241delTG; c.4122_4123delTG (NM_007294.3); c.4121_4122delGT, p.Ser1374Argfs (NM_001407620.1, NM_001407621.1, NM_001407622.1 and 29 more transcripts); c.4118_4119delGT, p.Ser1373Argfs (NM_001407627.1, NM_001407628.1, NM_001407629.1 and 22 more transcripts); c.4112_4113delGT, p.Ser1371Argfs (NM_001407646.1, NM_001407647.1); c.3998_3999delGT, p.Ser1333Argfs (NM_001407648.1, NM_001407664.1, NM_001407665.1 and 19 more transcripts); c.3995_3996delGT, p.Ser1332Argfs (NM_001407649.1, NM_001407670.1, NM_001407671.1 and 11 more transcripts); c.4043_4044delGT, p.Ser1348Argfs (NM_001407653.1, NM_001407654.1, NM_001407655.1 and 4 more transcripts); and 46 more; short protein forms S1327fs, S1374fs, S271fs.
Identifiers: ClinVar variation 55107 (VCV000055107.60), dbSNP rs80357691, ClinGen allele CA002643.